The following is an entry in ClinVar:

ClinVar aggregate classification (germline): Uncertain significance (1 of 4 stars; one submission).

Conditions:
Familial thoracic aortic aneurysm and aortic dissection (TAAD). Also called: Thoracic aortic aneurysms and dissections. Identifiers: Orphanet 91387, MedGen C4707243, MONDO:0019625.

gnomAD v4.1: 1 of 1,614,172 alleles (0.000062%); highest among the groups gnomAD compares: Non-Finnish European, 0.000085%; no homozygotes.

Submission:

Ambry Genetics
Classification: Uncertain significance for Familial thoracic aortic aneurysm and aortic dissection. Last evaluated: 2022-11-22. Review status: criteria provided, single submitter. Criteria: Ambry Variant Classification Scheme 2023. Collection method: clinical testing. Allele origin: germline.
Comment: The p.Q878H variant (also known as c.2634A>T), located in coding exon 39 of the COL5A2 gene, results from an A to T substitution at nucleotide position 2634. The glutamine at codon 878 is replaced by histidine, an amino acid with highly similar properties. This amino acid position is highly conserved in available vertebrate species. In addition, the in silico prediction for this alteration is inconclusive. Since supporting evidence is limited at this time, the clinical significance of this alteration remains unclear.

NM_000393.5(COL5A2):c.2634A>T (p.Gln878His)

Gene: COL5A2 (collagen type V alpha 2 chain; minus strand). Cytogenetic location: 2q32.2.
Variant type: single nucleotide variant.
Coding change: c.2634A>T on transcript NM_000393.5 (MANE Select); coding-DNA position 2634, A replaced by T.
Protein change: p.Gln878His; replaces glutamine 878 with histidine.
Molecular consequence: missense variant.
Genome position (GRCh38, 1-based): chr2:189,052,938, T>A on the plus strand (A>T on the coding strand, the complement: COL5A2 is on the minus strand). VCF-style: chr2-189052938-T-A. GRCh37 (hg19) VCF-style: chr2-189917664-T-A.
Other names: short protein forms Q878H.
Identifiers: ClinVar variation 2449421 (VCV002449421.2), dbSNP rs370304175, ClinGen allele CA349871010.